The following is an entry in ClinVar:

NM_001130144.3(LTBP3):c.3385G>A (p.Glu1129Lys)

Genes: LTBP3 (latent transforming growth factor beta binding protein 3; minus strand), LOC130006027 (ATAC-STARR-seq lymphoblastoid silent region 3530; plus strand). Cytogenetic location: 11q13.1.
Variant type: single nucleotide variant.
Coding change: c.3385G>A on transcript NM_001130144.3 (MANE Select); coding-DNA position 3385, G replaced by A.
Protein change: p.Glu1129Lys; replaces glutamic acid 1129 with lysine.
Molecular consequence: missense variant. On other transcripts: intron variant (2).
Genome position (GRCh38, 1-based): chr11:65,540,013, C>T on the plus strand (G>A on the coding strand, the complement: LTBP3 is on the minus strand). VCF-style: chr11-65540013-C-T. GRCh37 (hg19) VCF-style: chr11-65307484-C-T.
Other names: c.2894-132G>A (NM_001164266.1); c.3245-132G>A (NM_021070.4); short protein forms E1129K.
Identifiers: ClinVar variation 2886319 (VCV002886319.4), dbSNP rs1336376702, ClinGen allele CA381267006.

ClinVar aggregate classification (germline): Uncertain significance. Review status: criteria provided, multiple submitters, no conflicts (2 of 4 stars). 2 submissions from 2 submitters: Uncertain significance (2). Last evaluated 2024-01-25.

Conditions:
Brachyolmia-amelogenesis imperfecta syndrome. Also called: PLATYSPONDYLY WITH AMELOGENESIS IMPERFECTA; Tooth agenesis, selective, 6; Dental anomalies and short stature. Identifiers: Orphanet 2899, MedGen C1832594, MONDO:0011018, OMIM 601216. Disease mechanism: loss of function.

Allele frequency attached by ClinVar (database versions not stated): TOPMed below 0.00001; gnomAD 0.00001.
gnomAD v4.1: 37 of 1,495,250 alleles (0.0025%); highest among the groups gnomAD compares: East Asian, 0.047%; no homozygotes.

Submissions (2):

Labcorp Genetics (formerly Invitae), Labcorp
Classification: Uncertain significance for Brachyolmia-amelogenesis imperfecta syndrome. Last evaluated: 2024-01-25. Review status: criteria provided, single submitter. Criteria: Invitae Variant Classification Sherloc (09022015). Collection method: clinical testing. Allele origin: germline.
Comment: This sequence change replaces glutamic acid, which is acidic and polar, with lysine, which is basic and polar, at codon 1129 of the LTBP3 protein (p.Glu1129Lys). This variant also falls at the last nucleotide of exon 24, which is part of the consensus splice site for this exon. The frequency data for this variant in the population databases is considered unreliable, as metrics indicate poor data quality at this position in the gnomAD database. This variant has not been reported in the literature in individuals affected with LTBP3-related conditions. An algorithm developed to predict the effect of missense changes on protein structure and function (PolyPhen-2) suggests that this variant is likely to be tolerated. Variants that disrupt the consensus splice site are a relatively common cause of aberrant splicing (PMID: 17576681, 9536098). Algorithms developed to predict the effect of sequence changes on RNA splicing suggest that this variant may disrupt the consensus splice site. In summary, the available evidence is currently insufficient to determine the role of this variant in disease. Therefore, it has been classified as a Variant of Uncertain Significance.

Blueprint Genetics
Classification: Uncertain significance. Last evaluated: 2023-10-24. Review status: criteria provided, single submitter. Criteria: ACMG Guidelines, 2015. Collection method: clinical testing. Allele origin: germline.

Literature cited by the submitters: PubMed 17576681 (cited by Labcorp Genetics (formerly Invitae), Labcorp); PubMed 9536098 (cited by Labcorp Genetics (formerly Invitae), Labcorp).